The following is an entry in ClinVar:

ClinVar aggregate classification (germline): Uncertain significance (0 of 4 stars; one submission).

Allele frequency attached by ClinVar (database versions not stated): gnomAD exomes below 0.00001.
gnomAD v4.1: 3 of 1,614,176 alleles (0.00019%); highest among the groups gnomAD compares: South Asian, 0.0011%; no homozygotes.

Submission:

Department of Pathology and Laboratory Medicine, Sinai Health System
Classification: Uncertain significance. Review status: no assertion criteria provided. Collection method: clinical testing. Allele origin: unknown. Affected: yes. Study: The Canadian Open Genetics Repository (COGR).
Comment: The VPS13D p.His1842Tyr variant was not identified in the literature nor was it identified in the ClinVar, Cosmic, MutDB or LOVD 3.0 databases. The variant was identified in dbSNP (ID: rs1459554543) and in control databases in 1 of 251074 chromosomes at a frequency of 0.000004 (Genome Aggregation Database Feb 27, 2017). The variant was observed in the following population: South Asian in 1 of 30612 chromosomes (freq: 0.000033), but not observed in the African, Latino, Ashkenazi Jewish, East Asian, European (Finnish), European (non-Finnish) and other populations. The p.His1842 residue is conserved in mammals but not in more distantly related organisms and computational analyses (PolyPhen-2, SIFT, AlignGVGD, BLOSUM, MutationTaster) provide inconsistent predictions regarding the impact to the protein; this information is not very predictive of pathogenicity. In summary, based on the above information the clinical significance of this variant cannot be determined with certainty at this time. This variant is classified as a variant of uncertain significance.

NM_015378.4(VPS13D):c.5524C>T (p.His1842Tyr)

Gene: VPS13D (vacuolar protein sorting 13 homolog D; plus strand). Cytogenetic location: 1p36.22.
Variant type: single nucleotide variant.
Coding change: c.5524C>T on transcript NM_015378.4 (MANE Select); coding-DNA position 5524, C replaced by T.
Protein change: p.His1842Tyr; replaces histidine 1842 with tyrosine.
Molecular consequence: missense variant.
Genome position (GRCh38, 1-based): chr1:12,283,626, C>T. VCF-style: chr1-12283626-C-T. GRCh37 (hg19) VCF-style: chr1-12343683-C-T.
Other names: c.5524C>T, p.His1842Tyr (NM_018156.4); short protein forms H1842Y.
Identifiers: ClinVar variation 1048989 (VCV001048989.1), dbSNP rs1459554543, ClinGen allele CA338483879.
Genomic context (GRCh38, chr1:12,283,626, plus strand): 5'-ACACTGCAAACCTGGGTTGTGATATTAGACTTTTTTGGAATCGGCTCCACTGCAGACAAC[C>T]ACGCAATGAGGCTGCCTCCTGAGGGCATTCTGCACAACGTGAAGTTGGAGCCACATGCCT-3'
Protein context (NP_056193.2, residues 1832-1852): FFGIGSTADN[His1842Tyr]AMRLPPEGIL